The following is an entry in ClinVar:

NM_001080467.3(MYO5B):c.*979G>A

Genes: MYO5B (myosin VB; minus strand), SNHG22 (small nucleolar RNA host gene 22; plus strand). Cytogenetic location: 18q21.1.
Variant type: single nucleotide variant.
Coding change: c.*979G>A on transcript NM_001080467.3 (MANE Select); 979 bases downstream of the stop codon, G replaced by A.
Molecular consequence: 3 prime UTR variant.
Genome position (GRCh38, 1-based): chr18:49,825,492, C>T on the plus strand (G>A on the coding strand, the complement: MYO5B is on the minus strand). VCF-style: chr18-49825492-C-T. GRCh37 (hg19) VCF-style: chr18-47351862-C-T.
Identifiers: ClinVar variation 326977 (VCV000326977.6), dbSNP rs74515646, ClinGen allele CA10650907.

ClinVar aggregate classification (germline): Benign. Review status: criteria provided, multiple submitters, no conflicts (2 of 4 stars). 2 submissions from 2 submitters: Benign (2). Last evaluated 2018-01-13.

Conditions:
Congenital microvillous atrophy (DIAR2). Also called: DAVIDSON DISEASE; MICROVILLUS ATROPHY, CONGENITAL; Microvillus inclusion disease; Diarrhea 2 with microvillus atrophy, with or without cholestasis; CONGENITAL FAMILIAL PROTRACTED DIARRHEA WITH ENTEROCYTE BRUSH-BORDER ABNORMALITIES. Identifiers: Orphanet 2290, MedGen C0341306, MONDO:0009635, OMIM 251850.

Allele frequency attached by ClinVar (database versions not stated): TOPMed 0.07672; 1000 Genomes Project 0.09944; gnomAD 0.08075 and 0.08300; 1000 Genomes Project 30x 0.09681.

Submissions (2):

Illumina Laboratory Services, Illumina
Classification: Benign for Congenital microvillous atrophy. Last evaluated: 2018-01-13. Review status: criteria provided, single submitter. Criteria: ICSL Variant Classification Criteria 13 December 2019. Collection method: clinical testing. Allele origin: germline.
Comment: This variant was observed in the ICSL laboratory as part of a predisposition screen in an ostensibly healthy population. It had not been previously curated by ICSL or reported in the Human Gene Mutation Database (HGMD: prior to June 1st, 2018), and was therefore a candidate for classification through an automated scoring system. Utilizing variant allele frequency, disease prevalence and penetrance estimates, and inheritance mode, an automated score was calculated to assess if this variant is too frequent to cause the disease. Based on the score and internal cut-off values, a variant classified as benign is not then subjected to further curation. The score for this variant resulted in a classification of benign for this disease.

Breakthrough Genomics
Classification: Benign. Review status: criteria provided, single submitter. Criteria: ACMG Guidelines, 2015. Collection method: not provided. Allele origin: germline. Inheritance: Autosomal recessive inheritance. Affected: yes.